The following is an entry in ClinVar:

ClinVar aggregate classification (germline): Uncertain significance (1 of 4 stars; one submission).

Allele frequency attached by ClinVar (database versions not stated): gnomAD exomes below 0.00001; ExAC 0.00001.
gnomAD v4.1: 1 of 1,613,882 alleles (0.000062%); highest among the groups gnomAD compares: Non-Finnish European, 0.000085%; no homozygotes.

Submission:

Labcorp Genetics (formerly Invitae), Labcorp
Classification: Uncertain significance. Last evaluated: 2022-10-17. Review status: criteria provided, single submitter. Criteria: Invitae Variant Classification Sherloc (09022015). Collection method: clinical testing. Allele origin: germline.
Comment: In summary, the available evidence is currently insufficient to determine the role of this variant in disease. Therefore, it has been classified as a Variant of Uncertain Significance. Algorithms developed to predict the effect of missense changes on protein structure and function are either unavailable or do not agree on the potential impact of this missense change (SIFT: "Tolerated"; PolyPhen-2: "Probably Damaging"; Align-GVGD: "Class C0"). This variant has not been reported in the literature in individuals affected with RTN4IP1-related conditions. This variant is present in population databases (rs779046567, gnomAD 0.0009%). This sequence change replaces proline, which is neutral and non-polar, with leucine, which is neutral and non-polar, at codon 149 of the RTN4IP1 protein (p.Pro149Leu).

NM_032730.5(RTN4IP1):c.446C>T (p.Pro149Leu)

Gene: RTN4IP1 (reticulon 4 interacting protein 1; minus strand). Cytogenetic location: 6q21.
Variant type: single nucleotide variant.
Coding change: c.446C>T on transcript NM_032730.5 (MANE Select); coding-DNA position 446, C replaced by T.
Protein change: p.Pro149Leu; replaces proline 149 with leucine.
Molecular consequence: missense variant.
Genome position (GRCh38, 1-based): chr6:106,621,474, G>A on the plus strand (C>T on the coding strand, the complement: RTN4IP1 is on the minus strand). VCF-style: chr6-106621474-G-A. GRCh37 (hg19) VCF-style: chr6-107069349-G-A.
Other names: c.146C>T, p.Pro49Leu (NM_001318746.1); short protein forms P149L, P49L.
Identifiers: ClinVar variation 1905554 (VCV001905554.5), dbSNP rs779046567, ClinGen allele CA3944495.